The following is an entry in ClinVar:

ClinVar aggregate classification (germline): Uncertain significance. Review status: criteria provided, multiple submitters, no conflicts (2 of 4 stars). 2 submissions from 2 submitters: Uncertain significance (2). Last evaluated 2024-04-04.

Conditions:
Hereditary cancer-predisposing syndrome. Also called: Tumor predisposition; Hereditary Cancer Syndrome; Hereditary neoplastic syndrome; Neoplastic Syndromes, Hereditary. Identifiers: Orphanet 140162, MedGen C0027672, MeSH D009386, MONDO:0015356.
Gastrointestinal stromal tumor. Also called: Gastrointestinal stroma tumor; Gastrointestinal stromal tumor, somatic. Identifiers: Orphanet 44890, MedGen C0238198, MeSH D046152, MONDO:0011719, OMIM 606764, HP:0100723.

Allele frequency attached by ClinVar (database versions not stated): TOPMed below 0.00001.

Submissions (2):

Labcorp Genetics (formerly Invitae), Labcorp
Classification: Uncertain significance for Gastrointestinal stromal tumor. Last evaluated: 2024-04-04. Review status: criteria provided, single submitter. Criteria: Invitae Variant Classification Sherloc (09022015). Collection method: clinical testing. Allele origin: germline.
Comment: This sequence change replaces glutamic acid, which is acidic and polar, with lysine, which is basic and polar, at codon 513 of the PDGFRA protein (p.Glu513Lys). This variant is not present in population databases (gnomAD no frequency). This variant has not been reported in the literature in individuals affected with PDGFRA-related conditions. ClinVar contains an entry for this variant (Variation ID: 1429196). Advanced modeling of protein sequence and biophysical properties (such as structural, functional, and spatial information, amino acid conservation, physicochemical variation, residue mobility, and thermodynamic stability) performed at Invitae indicates that this missense variant is not expected to disrupt PDGFRA protein function with a negative predictive value of 80%. In summary, the available evidence is currently insufficient to determine the role of this variant in disease. Therefore, it has been classified as a Variant of Uncertain Significance.

Ambry Genetics
Classification: Uncertain significance for Hereditary cancer-predisposing syndrome. Last evaluated: 2024-01-11. Review status: criteria provided, single submitter. Criteria: Ambry Variant Classification Scheme 2023. Collection method: clinical testing. Allele origin: germline.
Comment: The p.E513K variant (also known as c.1537G>A), located in coding exon 9 of the PDGFRA gene, results from a G to A substitution at nucleotide position 1537. The glutamic acid at codon 513 is replaced by lysine, an amino acid with similar properties. This amino acid position is conserved. In addition, this alteration is predicted to be deleterious by in silico analysis. Since supporting evidence is limited at this time, the clinical significance of this alteration remains unclear.

NM_006206.6(PDGFRA):c.1537G>A (p.Glu513Lys)

Gene: PDGFRA (platelet derived growth factor receptor alpha; plus strand). Cytogenetic location: 4q12.
Variant type: single nucleotide variant.
Coding change: c.1537G>A on transcript NM_006206.6 (MANE Select); coding-DNA position 1537, G replaced by A.
Protein change: p.Glu513Lys; replaces glutamic acid 513 with lysine.
Molecular consequence: missense variant.
Genome position (GRCh38, 1-based): chr4:54,273,709, G>A. VCF-style: chr4-54273709-G-A. GRCh37 (hg19) VCF-style: chr4-55139876-G-A.
Other names: c.1537G>A (NM_006206.4); c.1537G>A, p.Glu513Lys (NM_001347827.2, NM_001347829.2); c.1612G>A, p.Glu538Lys (NM_001347828.2); c.1576G>A, p.Glu526Lys (NM_001347830.2); short protein forms E513K, E526K, E538K.
Identifiers: ClinVar variation 1429196 (VCV001429196.7), dbSNP rs1723544952, ClinGen allele CA356892767.